The following is an entry in ClinVar:

NM_001211.6(BUB1B):c.22G>A (p.Gly8Arg)

Genes: BUB1B (BUB1 mitotic checkpoint serine/threonine kinase B; plus strand), LOC130056830 (ATAC-STARR-seq lymphoblastoid active region 9236; plus strand). Cytogenetic location: 15q15.1.
Variant type: single nucleotide variant.
Coding change: c.22G>A on transcript NM_001211.6 (MANE Select); coding-DNA position 22, G replaced by A.
Protein change: p.Gly8Arg; replaces glycine 8 with arginine.
Molecular consequence: missense variant.
Genome position (GRCh38, 1-based): chr15:40,161,242, G>A. VCF-style: chr15-40161242-G-A. GRCh37 (hg19) VCF-style: chr15-40453443-G-A.
Other names: short protein forms G8R.
Identifiers: ClinVar variation 3993665 (VCV003993665.1).

ClinVar aggregate classification (germline): Uncertain significance (1 of 4 stars; one submission).

Conditions:
Inborn genetic diseases. Identifiers: MedGen C0950123, MeSH D030342.

gnomAD v4.1: 1 of 1,613,172 alleles (0.000062%); highest among the groups gnomAD compares: East Asian, 0.0022%; no homozygotes.

Submission:

Ambry Genetics
Classification: Uncertain significance for Inborn genetic diseases. Last evaluated: 2025-04-14. Review status: criteria provided, single submitter. Criteria: Ambry Variant Classification Scheme 2023. Collection method: clinical testing. Allele origin: germline.
Comment: The p.G8R variant (also known as c.22G>A), located in coding exon 1 of the BUB1B gene, results from a G to A substitution at nucleotide position 22. The glycine at codon 8 is replaced by arginine, an amino acid with dissimilar properties. This amino acid position is conserved. In addition, this alteration is predicted to be tolerated by in silico analysis. Based on the available evidence, the clinical significance of this variant remains unclear.